The following is an entry in ClinVar:

NM_000199.5(SGSH):c.468G>T (p.Lys156Asn)

Gene: SGSH (N-sulfoglucosamine sulfohydrolase; minus strand). Cytogenetic location: 17q25.3.
Variant type: single nucleotide variant.
Coding change: c.468G>T on transcript NM_000199.5 (MANE Select); coding-DNA position 468, G replaced by T.
Protein change: p.Lys156Asn; replaces lysine 156 with asparagine.
Molecular consequence: missense variant. On other transcripts: non-coding transcript variant (1).
Genome position (GRCh38, 1-based): chr17:80,214,653, C>A on the plus strand (G>T on the coding strand, the complement: SGSH is on the minus strand). VCF-style: chr17-80214653-C-A. GRCh37 (hg19) VCF-style: chr17-78188452-C-A.
Other names: c.468G>T, p.Lys156Asn (NM_001352921.3, NM_001352922.2); c.468G>T (NM_000199.3); short protein forms K156N.
Identifiers: ClinVar variation 1418995 (VCV001418995.4), dbSNP rs780700374, ClinGen allele CA8818009.

ClinVar aggregate classification (germline): Uncertain significance. Review status: criteria provided, multiple submitters, no conflicts (2 of 4 stars). 2 submissions from 2 submitters: Uncertain significance (2). Last evaluated 2025-01-07.

Conditions:
Inborn genetic diseases. Identifiers: MedGen C0950123, MeSH D030342.
Mucopolysaccharidosis, MPS-III-A (MPS3A). Also called: HEPARAN SULFATE SULFATASE DEFICIENCY; SANFILIPPO SYNDROME A; SULFAMIDASE DEFICIENCY; MPS III A; MPS IIIA (Sanfilippo Syndrome Type A); Mucopolysaccharidosis type IIIA (Sanfilippo A). Identifiers: Orphanet 581, Orphanet 79269, MedGen C0086647, MONDO:0009655, OMIM 252900.

Allele frequency attached by ClinVar (database versions not stated): gnomAD exomes 0.00001 and 0.00003; gnomAD 0.00001; TOPMed 0.00001; ExAC 0.00001.
gnomAD v4.1: 47 of 1,613,380 alleles (0.0029%); highest among the groups gnomAD compares: Non-Finnish European, 0.0038%; no homozygotes.

Submissions (2):

Ambry Genetics
Classification: Uncertain significance for Inborn genetic diseases. Last evaluated: 2025-01-07. Review status: criteria provided, single submitter. Criteria: Ambry Variant Classification Scheme 2023. Collection method: clinical testing. Allele origin: germline.

Labcorp Genetics (formerly Invitae), Labcorp
Classification: Uncertain significance for Mucopolysaccharidosis, MPS-III-A. Last evaluated: 2022-10-25. Review status: criteria provided, single submitter. Criteria: Invitae Variant Classification Sherloc (09022015). Collection method: clinical testing. Allele origin: germline.
Comment: This sequence change replaces lysine, which is basic and polar, with asparagine, which is neutral and polar, at codon 156 of the SGSH protein (p.Lys156Asn). This variant is present in population databases (rs780700374, gnomAD 0.003%). This variant has not been reported in the literature in individuals affected with SGSH-related conditions. ClinVar contains an entry for this variant (Variation ID: 1418995). Advanced modeling of protein sequence and biophysical properties (such as structural, functional, and spatial information, amino acid conservation, physicochemical variation, residue mobility, and thermodynamic stability) has been performed at Invitae for this missense variant, however the output from this modeling did not meet the statistical confidence thresholds required to predict the impact of this variant on SGSH protein function. In summary, the available evidence is currently insufficient to determine the role of this variant in disease. Therefore, it has been classified as a Variant of Uncertain Significance.